The following is an entry in ClinVar:

ClinVar aggregate classification (germline): Benign. Review status: criteria provided, multiple submitters, no conflicts (2 of 4 stars). 9 submissions from 8 submitters: Benign (9). Last evaluated 2023-12-13.

Conditions:
Autosomal recessive nonsyndromic hearing loss 18A. Also called: DEAFNESS, AUTOSOMAL RECESSIVE 18; Deafness, autosomal recessive 18A. Identifiers: Orphanet 90636, MedGen C1865870, MONDO:0011192, OMIM 602092.
Usher syndrome type 1C. Also called: USHER SYNDROME, TYPE I, ACADIAN VARIETY. Identifiers: Orphanet 231169, Orphanet 886, MedGen C1848604, MONDO:0010171, OMIM 276904.

Allele frequency attached by ClinVar (database versions not stated): gnomAD 0.03494 and 0.03964; ESP Exome Variant Server 0.03653; TOPMed 0.03689; gnomAD exomes 0.05653 and 0.06096; 1000 Genomes Project 30x 0.06652; 1000 Genomes Project 0.06889; ExAC 0.07326.
gnomAD v4.1: 88,005 of 1,600,338 alleles (5.5%); highest among the groups gnomAD compares: South Asian, 19%; 3,742 homozygotes.

Submissions (9):

Labcorp Genetics (formerly Invitae), Labcorp
Classification: Benign. Last evaluated: 2023-12-13. Review status: criteria provided, single submitter. Criteria: Invitae Variant Classification Sherloc (09022015). Collection method: clinical testing. Allele origin: germline.

ARUP Laboratories, Molecular Genetics and Genomics, ARUP Laboratories
Classification: Benign. Last evaluated: 2023-11-09. Review status: criteria provided, single submitter. Criteria: ARUP Molecular Germline Variant Investigation Process 2024. Collection method: clinical testing. Allele origin: germline.

Mayo Clinic Laboratories, Mayo Clinic
Classification: Benign. Last evaluated: 2022-11-10. Review status: criteria provided, single submitter. Criteria: ACMG Guidelines, 2015. Collection method: clinical testing. Allele origin: germline. Observed: 12 variant alleles.

Genome-Nilou Lab
Classification: Benign for Usher syndrome type 1C. Last evaluated: 2021-07-10. Review status: criteria provided, single submitter. Criteria: ACMG Guidelines, 2015. Collection method: clinical testing. Allele origin: germline. Affected: no.

Genome-Nilou Lab
Classification: Benign for Autosomal recessive nonsyndromic hearing loss 18A. Last evaluated: 2021-07-10. Review status: criteria provided, single submitter. Criteria: ACMG Guidelines, 2015. Collection method: clinical testing. Allele origin: germline. Affected: no.

Eurofins Ntd Llc (ga)
Classification: Benign. Last evaluated: 2016-05-25. Review status: criteria provided, single submitter. Criteria: EGL Classification Definitions 2015. Collection method: clinical testing. Allele origin: germline. Observed: 1 variant allele, 1 heterozygote.

GeneDx
Classification: Benign. Last evaluated: 2013-03-05. Review status: criteria provided, single submitter. Criteria: GeneDx Variant Classification (06012015). Collection method: clinical testing. Allele origin: germline. Affected: yes.
Comment: This variant is considered likely benign or benign based on one or more of the following criteria: it is a conservative change, it occurs at a poorly conserved position in the protein, it is predicted to be benign by multiple in silico algorithms, and/or has population frequency not consistent with disease.

Laboratory for Molecular Medicine, Mass General Brigham Personalized Medicine
Classification: Benign. Last evaluated: 2009-06-24. Review status: criteria provided, single submitter. Criteria: LMM Criteria. Collection method: clinical testing. Allele origin: germline. Observed: 188 variant alleles.

Breakthrough Genomics
Classification: Benign. Review status: criteria provided, single submitter. Criteria: ACMG Guidelines, 2015. Collection method: not provided. Allele origin: germline. Inheritance: Autosomal recessive inheritance. Affected: yes.

NM_153676.4(USH1C):c.1770C>T (p.Ala590=)

Gene: USH1C (USH1 protein network component harmonin; minus strand). Cytogenetic location: 11p15.1.
Variant type: single nucleotide variant.
Coding change: c.1770C>T on transcript NM_153676.4 (MANE Select); coding-DNA position 1770, C replaced by T.
Protein change: p.Ala590=; no amino-acid change (alanine 590 retained).
Molecular consequence: synonymous variant. On other transcripts: intron variant (2).
Genome position (GRCh38, 1-based): chr11:17,509,599, G>A on the plus strand (C>T on the coding strand, the complement: USH1C is on the minus strand). VCF-style: chr11-17509599-G-A. GRCh37 (hg19) VCF-style: chr11-17531146-G-A.
Other names: p.A590A:GCC>GCT; p.Ala590=; c.1228-7619C>T (NM_001297764.2); c.1285-7619C>T (NM_005709.4).
Identifiers: ClinVar variation 47982 (VCV000047982.33), dbSNP rs17776775, ClinGen allele CA142305.
Genomic context (GRCh38, chr11:17,509,599, plus strand): 5'-GGATGGCGGGGGAGGGATGGGAATGGGGGGTGGAGTGCGCTGCACCCATGGAGAGGATGA[G>A]GCGCTCACATGGCCAGATAAGGGAAGGACAGGGGGCGCCGGGACCTTGTGGGGTGGGTTG-3'
Protein context (NP_710142.1, residues 580-600): PVLPLSGHVS[Ala590=]SSSPWVQRTP